The following is an entry in ClinVar:

NM_058216.3(RAD51C):c.21C>T (p.Arg7=)

Gene: RAD51C (RAD51 paralog C; plus strand). Cytogenetic location: 17q22.
Variant type: single nucleotide variant.
Coding change: c.21C>T on transcript NM_058216.3 (MANE Select); coding-DNA position 21, C replaced by T.
Protein change: p.Arg7=; no amino-acid change (arginine 7 retained).
Molecular consequence: synonymous variant. On other transcripts: non-coding transcript variant (2).
Genome position (GRCh38, 1-based): chr17:58,692,664, C>T. VCF-style: chr17-58692664-C-T. GRCh37 (hg19) VCF-style: chr17-56770025-C-T.
Other names: c.21C>T, p.Arg7= (NM_002876.4).
Identifiers: ClinVar variation 629771 (VCV000629771.3), dbSNP rs1443654986, ClinGen allele CA501074331.

ClinVar aggregate classification (germline): Benign/Likely benign. Review status: criteria provided, multiple submitters, no conflicts (2 of 4 stars). 2 submissions from 2 submitters: Benign (1); Likely benign (1). Last evaluated 2025-02-14.

Conditions:
Breast-ovarian cancer, familial, susceptibility to, 3. Also called: RAD51C-Related Breast/Ovarian Cancer. Identifiers: Orphanet 145, MedGen C3150659, MONDO:0013253, OMIM 613399.
Hereditary cancer-predisposing syndrome. Also called: Neoplastic Syndromes, Hereditary; Tumor predisposition; Hereditary neoplastic syndrome; Hereditary Cancer Syndrome. Identifiers: Orphanet 140162, MedGen C0027672, MeSH D009386, MONDO:0015356.

Submissions (2):

Myriad Genetics, Inc.
Classification: Benign for Breast-ovarian cancer, familial, susceptibility to, 3. Last evaluated: 2025-02-14. Review status: criteria provided, single submitter. Criteria: Myriad Autosomal Dominant, Autosomal Recessive and X-Linked Classification Criteria (2023). Collection method: clinical testing. Allele origin: unknown.
Comment: This variant is considered benign. This variant is a silent/synonymous amino acid change and it is not expected to impact splicing.

Color Diagnostics, LLC DBA Color Health
Classification: Likely benign for Hereditary cancer-predisposing syndrome. Last evaluated: 2018-10-19. Review status: criteria provided, single submitter. Criteria: ACMG Guidelines, 2015. Collection method: clinical testing. Allele origin: germline.